The following is an entry in ClinVar:

NM_000256.3(MYBPC3):c.914T>G (p.Phe305Cys)

Gene: MYBPC3 (myosin binding protein C3; minus strand). Cytogenetic location: 11p11.2.
Variant type: single nucleotide variant.
Coding change: c.914T>G on transcript NM_000256.3 (MANE Select); coding-DNA position 914, T replaced by G.
Protein change: p.Phe305Cys; replaces phenylalanine 305 with cysteine.
Molecular consequence: missense variant.
Genome position (GRCh38, 1-based): chr11:47,346,639, A>C on the plus strand (T>G on the coding strand, the complement: MYBPC3 is on the minus strand). VCF-style: chr11-47346639-A-C. GRCh37 (hg19) VCF-style: chr11-47368190-A-C.
Other names: short protein forms F305C.
Identifiers: ClinVar variation 1712878 (VCV001712878.3), dbSNP rs2495772092, ClinGen allele CA380332926.

ClinVar aggregate classification (germline): Uncertain significance (1 of 4 stars; one submission).

Submission:

GeneDx
Classification: Uncertain significance. Last evaluated: 2024-10-15. Review status: criteria provided, single submitter. Criteria: GeneDx Variant Classification Process June 2021. Collection method: clinical testing. Allele origin: germline.
Comment: Not observed at significant frequency in large population cohorts (gnomAD); In silico analysis indicates that this missense variant does not alter protein structure/function; Has not been previously published as pathogenic or benign to our knowledge